The following is an entry in ClinVar:

ClinVar aggregate classification (germline): Uncertain significance (1 of 4 stars; one submission).

Conditions:
Long QT syndrome (LQTS). Identifiers: MedGen C0023976, MeSH D008133, MONDO:0002442. Disease mechanism: loss of function. Inheritance: Various modes of inheritance.

Submission:

Labcorp Genetics (formerly Invitae), Labcorp
Classification: Uncertain significance for Long QT syndrome. Last evaluated: 2024-10-27. Review status: criteria provided, single submitter. Criteria: Invitae Variant Classification Sherloc (09022015). Collection method: clinical testing. Allele origin: germline.
Comment: This sequence change falls in intron 1 of the KCNH2 gene. It does not directly change the encoded amino acid sequence of the KCNH2 protein. It affects a nucleotide within the consensus splice site. This variant is not present in population databases (gnomAD no frequency). This variant has not been reported in the literature in individuals affected with KCNH2-related conditions. Variants that disrupt the consensus splice site are a relatively common cause of aberrant splicing (PMID: 17576681, 9536098). Algorithms developed to predict the effect of sequence changes on RNA splicing suggest that this variant may disrupt the consensus splice site. In summary, the available evidence is currently insufficient to determine the role of this variant in disease. Therefore, it has been classified as a Variant of Uncertain Significance.

Literature cited by the submitters: PubMed 17576681; PubMed 9536098.

NM_000238.4(KCNH2):c.76+4A>G

Gene: KCNH2 (potassium voltage-gated channel subfamily H member 2; minus strand). Cytogenetic location: 7q36.1.
Variant type: single nucleotide variant.
Coding change: c.76+4A>G on transcript NM_000238.4 (MANE Select); 4 bases into the intron after coding-DNA position 76, A replaced by G.
Molecular consequence: intron variant.
Genome position (GRCh38, 1-based): chr7:150,977,834, T>C on the plus strand (A>G on the coding strand, the complement: KCNH2 is on the minus strand). VCF-style: chr7-150977834-T-C. GRCh37 (hg19) VCF-style: chr7-150674922-T-C.
Other names: c.76+4A>G (NM_172056.3).
Identifiers: ClinVar variation 3615925 (VCV003615925.2).